The following is an entry in ClinVar:

NM_001377295.2(GNAT2):c.590+6T>C

Gene: GNAT2 (G protein subunit alpha transducin 2; minus strand). Cytogenetic location: 1p13.3.
Variant type: single nucleotide variant.
Coding change: c.590+6T>C on transcript NM_001377295.2 (MANE Select); 6 bases into the intron after coding-DNA position 590, T replaced by C.
Molecular consequence: intron variant.
Genome position (GRCh38, 1-based): chr1:109,606,302, A>G on the plus strand (T>C on the coding strand, the complement: GNAT2 is on the minus strand). VCF-style: chr1-109606302-A-G. GRCh37 (hg19) VCF-style: chr1-110148924-A-G.
Other names: c.590+6T>C (NM_001379232.1, NM_005272.5).
Identifiers: ClinVar variation 1897736 (VCV001897736.6), dbSNP rs767182806, ClinGen allele CA992386.
Genomic context (GRCh38, chr1:109,606,302, plus strand): 5'-CTGCCTGTGCCCCTTTTCAGGATTCCACACGTGTATCCGAGATGCCCTAGGGAACCATGC[A>G]CTTACCTGAAATTCAAGTCTTTGACGGAAAACTTGGTTTCAATGATGCCCGTGGTTTTGA-3'

ClinVar aggregate classification (germline): Uncertain significance. Review status: criteria provided, multiple submitters, no conflicts (2 of 4 stars). 2 submissions from 2 submitters: Uncertain significance (2). Last evaluated 2024-10-21.

Allele frequency attached by ClinVar (database versions not stated): gnomAD exomes 0.00001; ExAC 0.00002.
gnomAD v4.1: 7 of 1,613,720 alleles (0.00043%); highest among the groups gnomAD compares: Admixed American, 0.0017%; no homozygotes.

Submissions (2):

Blueprint Genetics
Classification: Uncertain significance. Last evaluated: 2024-10-21. Review status: criteria provided, single submitter. Criteria: ACMG Guidelines, 2015. Collection method: clinical testing. Allele origin: germline.

Labcorp Genetics (formerly Invitae), Labcorp
Classification: Uncertain significance. Last evaluated: 2022-05-14. Review status: criteria provided, single submitter. Criteria: Invitae Variant Classification Sherloc (09022015). Collection method: clinical testing. Allele origin: germline.
Comment: In summary, the available evidence is currently insufficient to determine the role of this variant in disease. Therefore, it has been classified as a Variant of Uncertain Significance. Variants that disrupt the consensus splice site are a relatively common cause of aberrant splicing (PMID: 17576681, 9536098). Algorithms developed to predict the effect of sequence changes on RNA splicing suggest that this variant is not likely to affect RNA splicing. This variant has not been reported in the literature in individuals affected with GNAT2-related conditions. This variant is present in population databases (rs767182806, gnomAD 0.002%). This sequence change falls in intron 5 of the GNAT2 gene. It does not directly change the encoded amino acid sequence of the GNAT2 protein. It affects a nucleotide within the consensus splice site.

Literature cited by the submitters: PubMed 17576681 (cited by Labcorp Genetics (formerly Invitae), Labcorp); PubMed 9536098 (cited by Labcorp Genetics (formerly Invitae), Labcorp).